The following is an entry in ClinVar:

NM_002691.4(POLD1):c.2940G>T (p.Glu980Asp)

Gene: POLD1 (DNA polymerase delta 1, catalytic subunit; plus strand). Cytogenetic location: 19q13.33.
Variant type: single nucleotide variant.
Coding change: c.2940G>T on transcript NM_002691.4 (MANE Select); coding-DNA position 2940, G replaced by T.
Protein change: p.Glu980Asp; replaces glutamic acid 980 with aspartic acid.
Molecular consequence: missense variant. On other transcripts: non-coding transcript variant (1).
Genome position (GRCh38, 1-based): chr19:50,416,515, G>T. VCF-style: chr19-50416515-G-T. GRCh37 (hg19) VCF-style: chr19-50919772-G-T.
Other names: c.2940G>T, p.Glu980Asp (NM_001256849.1); c.3018G>T, p.Glu1006Asp (NM_001308632.1); c.2940G>T (NM_002691.2); short protein forms E980D, E1006D.
Identifiers: ClinVar variation 1044169 (VCV001044169.9), dbSNP rs1348218790, ClinGen allele CA406986671.

ClinVar aggregate classification (germline): Conflicting classifications of pathogenicity. Review status: criteria provided, conflicting classifications (1 of 4 stars). 2 submissions from 2 submitters: Uncertain significance (1); Likely benign (1). Last evaluated 2025-08-11.

Conditions:
Hereditary cancer-predisposing syndrome. Also called: Tumor predisposition; Hereditary Cancer Syndrome; Hereditary neoplastic syndrome; Neoplastic Syndromes, Hereditary. Identifiers: Orphanet 140162, MedGen C0027672, MeSH D009386, MONDO:0015356.
POLD1-related polyposis and colorectal cancer syndrome (CRCS10). Also called: Colorectal cancer 10; COLORECTAL CANCER, SUSCEPTIBILITY TO, ON CHROMOSOME 19q; Colorectal cancer, susceptibility to, 10. Identifiers: Orphanet 220460, MedGen C2675481, MONDO:0012953, OMIM 612591.

Allele frequency attached by ClinVar (database versions not stated): TOPMed below 0.00001; gnomAD 0.00001.

Submissions (2):

Ambry Genetics
Classification: Likely benign for Hereditary cancer-predisposing syndrome. Last evaluated: 2025-08-11. Review status: criteria provided, single submitter. Criteria: Ambry Variant Classification Scheme 2023. Collection method: clinical testing. Allele origin: germline.

Labcorp Genetics (formerly Invitae), Labcorp
Classification: Uncertain significance for POLD1-related polyposis and colorectal cancer syndrome. Last evaluated: 2020-09-23. Review status: criteria provided, single submitter. Criteria: Invitae Variant Classification Sherloc (09022015). Collection method: clinical testing. Allele origin: germline.
Comment: In summary, the available evidence is currently insufficient to determine the role of this variant in disease. Therefore, it has been classified as a Variant of Uncertain Significance. Algorithms developed to predict the effect of missense changes on protein structure and function (SIFT, PolyPhen-2, Align-GVGD) all suggest that this variant is likely to be tolerated, but these predictions have not been confirmed by published functional studies and their clinical significance is uncertain. This variant has not been reported in the literature in individuals with POLD1-related conditions. This variant is not present in population databases (ExAC no frequency). This sequence change replaces glutamic acid with aspartic acid at codon 980 of the POLD1 protein (p.Glu980Asp). The glutamic acid residue is moderately conserved and there is a small physicochemical difference between glutamic acid and aspartic acid.